The following is an entry in ClinVar:

ClinVar aggregate classification (germline): Uncertain significance (1 of 4 stars; one submission).

gnomAD v4.1: 9 of 1,614,076 alleles (0.00056%); highest among the groups gnomAD compares: East Asian, 0.0022%; no homozygotes.

Submission:

Labcorp Genetics (formerly Invitae), Labcorp
Classification: Uncertain significance. Last evaluated: 2025-09-02. Review status: criteria provided, single submitter. Criteria: Invitae Variant Classification Sherloc (09022015). Collection method: clinical testing. Allele origin: germline.
Comment: This sequence change replaces threonine, which is neutral and polar, with methionine, which is neutral and non-polar, at codon 2356 of the VPS13D protein (p.Thr2356Met). This variant is present in population databases (rs763271218, gnomAD 0.007%). This variant has not been reported in the literature in individuals affected with VPS13D-related conditions. ClinVar contains an entry for this variant (Variation ID: 3614388). Invitae Evidence Modeling of protein sequence and biophysical properties (such as structural, functional, and spatial information, amino acid conservation, physicochemical variation, residue mobility, and thermodynamic stability) indicates that this missense variant is not expected to disrupt VPS13D protein function with a negative predictive value of 80%. In summary, the available evidence is currently insufficient to determine the role of this variant in disease. Therefore, it has been classified as a Variant of Uncertain Significance.

NM_015378.4(VPS13D):c.7067C>T (p.Thr2356Met)

Gene: VPS13D (vacuolar protein sorting 13 homolog D; plus strand). Cytogenetic location: 1p36.22.
Variant type: single nucleotide variant.
Coding change: c.7067C>T on transcript NM_015378.4 (MANE Select); coding-DNA position 7067, C replaced by T.
Protein change: p.Thr2356Met; replaces threonine 2356 with methionine.
Molecular consequence: missense variant.
Genome position (GRCh38, 1-based): chr1:12,314,246, C>T. VCF-style: chr1-12314246-C-T. GRCh37 (hg19) VCF-style: chr1-12374303-C-T.
Other names: c.7067C>T, p.Thr2356Met (NM_018156.4); short protein forms T2356M.
Identifiers: ClinVar variation 3614388 (VCV003614388.2).